The following is an entry in ClinVar:

ClinVar aggregate classification (germline): Uncertain significance (1 of 4 stars; one submission).

Conditions:
Atrioventricular septal defect 5 (AVSD5). Identifiers: MedGen C3280939, MONDO:0013769, OMIM 614474.

Allele frequency attached by ClinVar (database versions not stated): gnomAD exomes below 0.00001.
gnomAD v4.1: 5 of 1,533,524 alleles (0.00033%); highest among the groups gnomAD compares: Non-Finnish European, 0.00044%; no homozygotes.

Submission:

Labcorp Genetics (formerly Invitae), Labcorp
Classification: Uncertain significance for Atrioventricular septal defect 5. Last evaluated: 2023-12-24. Review status: criteria provided, single submitter. Criteria: Invitae Variant Classification Sherloc (09022015). Collection method: clinical testing. Allele origin: germline.
Comment: This sequence change replaces glycine, which is neutral and non-polar, with arginine, which is basic and polar, at codon 342 of the GATA6 protein (p.Gly342Arg). This variant is not present in population databases (gnomAD no frequency). This variant has not been reported in the literature in individuals affected with GATA6-related conditions. ClinVar contains an entry for this variant (Variation ID: 540132). Advanced modeling of protein sequence and biophysical properties (such as structural, functional, and spatial information, amino acid conservation, physicochemical variation, residue mobility, and thermodynamic stability) performed at Invitae indicates that this missense variant is not expected to disrupt GATA6 protein function with a negative predictive value of 80%. In summary, the available evidence is currently insufficient to determine the role of this variant in disease. Therefore, it has been classified as a Variant of Uncertain Significance.

NM_005257.6(GATA6):c.1024G>C (p.Gly342Arg)

Gene: GATA6 (GATA binding protein 6; plus strand). Cytogenetic location: 18q11.2.
Variant type: single nucleotide variant.
Coding change: c.1024G>C on transcript NM_005257.6 (MANE Select); coding-DNA position 1024, G replaced by C.
Protein change: p.Gly342Arg; replaces glycine 342 with arginine.
Molecular consequence: missense variant.
Genome position (GRCh38, 1-based): chr18:22,172,168, G>C. VCF-style: chr18-22172168-G-C. GRCh37 (hg19) VCF-style: chr18-19752129-G-C.
Other names: short protein forms G342R.
Identifiers: ClinVar variation 540132 (VCV000540132.8), dbSNP rs1468414837, ClinGen allele CA401801648.
Genomic context (GRCh38, chr18:22,172,168, plus strand): 5'-ACGTACCACCACCACCACCACCACCACCACCACCATCCGAGCCCCTACTCGCCCTACGTG[G>C]GGGCGCCACTGACGCCTGCCTGGCCCGCCGGACCCTTCGAGACCCCGGTGCTGCACAGCC-3'
Protein context (NP_005248.2, residues 332-352): HHPSPYSPYV[Gly342Arg]APLTPAWPAG